The following is an entry in ClinVar:

ClinVar aggregate classification (germline): Uncertain significance. Review status: criteria provided, multiple submitters, no conflicts (2 of 4 stars). 2 submissions from 2 submitters: Uncertain significance (2). Last evaluated 2026-01-05.

Conditions:
Familial thoracic aortic aneurysm and aortic dissection (TAAD). Also called: Thoracic aortic aneurysms and dissections. Identifiers: Orphanet 91387, MedGen C4707243, MONDO:0019625.

gnomAD v4.1: 7 of 1,594,896 alleles (0.00044%); highest among the groups gnomAD compares: Non-Finnish European, 0.00034%; no homozygotes.

Submissions (2):

Ambry Genetics
Classification: Uncertain significance for Familial thoracic aortic aneurysm and aortic dissection. Last evaluated: 2026-01-05. Review status: criteria provided, single submitter. Criteria: Ambry Variant Classification Scheme 2023. Collection method: clinical testing. Allele origin: germline.
Comment: The c.2182G>A (p.G728R) alteration is located in exon 13 (coding exon 13) of the NOTCH1 gene. This alteration results from a G to A substitution at nucleotide position 2182, causing the glycine (G) at amino acid position 728 to be replaced by an arginine (R). Based on data from gnomAD, the A allele has an overall frequency of 0.001% (2/215648) total alleles studied. The highest observed frequency was 0.006% (1/18182) of European (Finnish) alleles. Based on insufficient or conflicting evidence, the clinical significance of this alteration remains unclear.

GeneDx
Classification: Uncertain significance. Last evaluated: 2025-01-18. Review status: criteria provided, single submitter. Criteria: GeneDx Variant Classification Process June 2021. Collection method: clinical testing. Allele origin: germline. Affected: yes.
Comment: Not observed at significant frequency in large population cohorts (gnomAD); In silico analysis supports that this missense variant has a deleterious effect on protein structure/function; Has not been previously published as pathogenic or benign to our knowledge

NM_017617.5(NOTCH1):c.2182G>A (p.Gly728Arg)

Gene: NOTCH1 (notch receptor 1; minus strand). Cytogenetic location: 9q34.3.
Variant type: single nucleotide variant.
Coding change: c.2182G>A on transcript NM_017617.5 (MANE Select); coding-DNA position 2182, G replaced by A.
Protein change: p.Gly728Arg; replaces glycine 728 with arginine.
Molecular consequence: missense variant.
Genome position (GRCh38, 1-based): chr9:136,514,535, C>T on the plus strand (G>A on the coding strand, the complement: NOTCH1 is on the minus strand). VCF-style: chr9-136514535-C-T. GRCh37 (hg19) VCF-style: chr9-139408987-C-T.
Other names: short protein forms G728R.
Identifiers: ClinVar variation 4070773 (VCV004070773.2).